The following is an entry in ClinVar:

ClinVar aggregate classification (germline): Uncertain significance (1 of 4 stars; one submission).

gnomAD v4.1: 20 of 1,610,516 alleles (0.0012%); highest among the groups gnomAD compares: South Asian, 0.014%; no homozygotes.

Submission:

Labcorp Genetics (formerly Invitae), Labcorp
Classification: Uncertain significance. Last evaluated: 2025-05-15. Review status: criteria provided, single submitter. Criteria: Invitae Variant Classification Sherloc (09022015). Collection method: clinical testing. Allele origin: germline.
Comment: This sequence change replaces arginine, which is basic and polar, with glutamine, which is neutral and polar, at codon 778 of the FUK protein (p.Arg778Gln). The frequency data for this variant in the population databases is considered unreliable, as metrics indicate poor data quality at this position in the gnomAD database. This variant has not been reported in the literature in individuals affected with FUK-related conditions. An algorithm developed to predict the effect of missense changes on protein structure and function outputs the following: PolyPhen-2: "Benign". The glutamine amino acid residue is found in multiple mammalian species, which suggests that this missense change does not adversely affect protein function. In summary, the available evidence is currently insufficient to determine the role of this variant in disease. Therefore, it has been classified as a Variant of Uncertain Significance.

NM_145059.3(FCSK):c.2333G>A (p.Arg778Gln)

Gene: FCSK (fucose kinase; plus strand). Cytogenetic location: 16q22.1.
Variant type: single nucleotide variant.
Coding change: c.2333G>A on transcript NM_145059.3 (MANE Select); coding-DNA position 2333, G replaced by A.
Protein change: p.Arg778Gln; replaces arginine 778 with glutamine.
Molecular consequence: missense variant.
Genome position (GRCh38, 1-based): chr16:70,474,967, G>A. VCF-style: chr16-70474967-G-A. GRCh37 (hg19) VCF-style: chr16-70508870-G-A.
Other names: short protein forms R778Q.
Identifiers: ClinVar variation 4766805 (VCV004766805.1).